The following is an entry in ClinVar:

NM_001851.6(COL9A1):c.437T>C (p.Ile146Thr)

Gene: COL9A1 (collagen type IX alpha 1 chain; minus strand). Cytogenetic location: 6q13.
Variant type: single nucleotide variant.
Coding change: c.437T>C on transcript NM_001851.6 (MANE Select); coding-DNA position 437, T replaced by C.
Protein change: p.Ile146Thr; replaces isoleucine 146 with threonine.
Molecular consequence: missense variant.
Genome position (GRCh38, 1-based): chr6:70,294,426, A>G on the plus strand (T>C on the coding strand, the complement: COL9A1 is on the minus strand). VCF-style: chr6-70294426-A-G. GRCh37 (hg19) VCF-style: chr6-71004129-A-G.
Other names: c.437T>C, p.Ile146Thr (NM_001377291.1); short protein forms I146T.
Identifiers: ClinVar variation 2127978 (VCV002127978.4), dbSNP rs780230984, ClinGen allele CA3882810.

ClinVar aggregate classification (germline): Uncertain significance (1 of 4 stars; one submission).

gnomAD v4.1: 1 of 1,614,102 alleles (0.000062%); highest among the groups gnomAD compares: Non-Finnish European, 0.000085%; no homozygotes.

Submission:

Labcorp Genetics (formerly Invitae), Labcorp
Classification: Uncertain significance. Last evaluated: 2024-01-08. Review status: criteria provided, single submitter. Criteria: Invitae Variant Classification Sherloc (09022015). Collection method: clinical testing. Allele origin: germline.
Comment: This sequence change replaces isoleucine, which is neutral and non-polar, with threonine, which is neutral and polar, at codon 146 of the COL9A1 protein (p.Ile146Thr). This variant is present in population databases (rs780230984, gnomAD 0.0009%). This variant has not been reported in the literature in individuals affected with COL9A1-related conditions. ClinVar contains an entry for this variant (Variation ID: 2127978). Advanced modeling of protein sequence and biophysical properties (such as structural, functional, and spatial information, amino acid conservation, physicochemical variation, residue mobility, and thermodynamic stability) performed at Invitae indicates that this missense variant is not expected to disrupt COL9A1 protein function with a negative predictive value of 95%. In summary, the available evidence is currently insufficient to determine the role of this variant in disease. Therefore, it has been classified as a Variant of Uncertain Significance.